The following is an entry in ClinVar:

NM_000059.4(BRCA2):c.5254C>A (p.His1752Asn)

Gene: BRCA2 (BRCA2 DNA repair associated; plus strand). Cytogenetic location: 13q13.1.
Variant type: single nucleotide variant.
Coding change: c.5254C>A on transcript NM_000059.4 (MANE Select); coding-DNA position 5254, C replaced by A.
Protein change: p.His1752Asn; replaces histidine 1752 with asparagine.
Molecular consequence: missense variant.
Genome position (GRCh38, 1-based): chr13:32,339,609, C>A. VCF-style: chr13-32339609-C-A. GRCh37 (hg19) VCF-style: chr13-32913746-C-A.
Other names: c.5254C>A (NM_000059.3); short protein forms H1752N.
Identifiers: ClinVar variation 1392812 (VCV001392812.8), dbSNP rs80358749, ClinGen allele CA387784710.
Genomic context (GRCh38, chr13:32,339,609, plus strand): 5'-CTCTCCGAAAAACAAGATACTTATTTAAGTAACAGTAGCATGTCTAACAGCTATTCCTAC[C>A]ATTCTGATGAGGTATATAATGATTCAGGATATCTCTCAAAAAATAAACTTGATTCTGGTA-3'
Protein context (NP_000050.3, residues 1742-1762): NSSMSNSYSY[His1752Asn]SDEVYNDSGY

ClinVar aggregate classification (germline): Conflicting classifications of pathogenicity. Review status: criteria provided, conflicting classifications (1 of 4 stars). 3 submissions from 3 submitters: Uncertain significance (1); Likely benign (2). Last evaluated 2025-01-06.

Conditions:
Hereditary cancer-predisposing syndrome. Also called: Neoplastic Syndromes, Hereditary; Hereditary neoplastic syndrome; Tumor predisposition; Hereditary Cancer Syndrome. Identifiers: Orphanet 140162, MedGen C0027672, MeSH D009386, MONDO:0015356.
Hereditary breast ovarian cancer syndrome. Also called: BRCA1- and BRCA2-Associated Hereditary Breast and Ovarian Cancer; Hereditary breast and ovarian cancer syndrome (HBOC); Hereditary breast and ovarian cancer syndrome; Hereditary breast and ovarian cancer; Breast and ovarian cancer; Hereditary breast and/or ovarian cancer syndrome. Identifiers: Orphanet 145, MedGen C0677776, MeSH D061325, MONDO:0003582. Disease mechanism: loss of function.

Allele frequency attached by ClinVar (database versions not stated): gnomAD exomes below 0.00001.
gnomAD v4.1: 1 of 1,611,142 alleles (0.000062%); highest among the groups gnomAD compares: South Asian, 0.0011%; no homozygotes.

Submissions (3):

Ambry Genetics
Classification: Likely benign for Hereditary cancer-predisposing syndrome. Last evaluated: 2025-01-06. Review status: criteria provided, single submitter. Criteria: Ambry Variant Classification Scheme 2023. Collection method: clinical testing. Allele origin: germline.

University of Washington Department of Laboratory Medicine, University of Washington
Classification: Likely benign for Hereditary cancer-predisposing syndrome. Last evaluated: 2023-03-23. Review status: criteria provided, single submitter. Criteria: Dines et al. (Genet Med. 2020). Collection method: curation. Allele origin: germline.
Comment: Missense variant in a coldspot region where missense variants are very unlikely to be pathogenic (PMID:31911673).

BRCA2 exon 11 coldspot. Reclassification based on statistical prior probability.

Labcorp Genetics (formerly Invitae), Labcorp
Classification: Uncertain significance for Hereditary breast ovarian cancer syndrome. Last evaluated: 2021-11-12. Review status: criteria provided, single submitter. Criteria: Invitae Variant Classification Sherloc (09022015). Collection method: clinical testing. Allele origin: germline.
Comment: This sequence change replaces histidine, which is basic and polar, with asparagine, which is neutral and polar, at codon 1752 of the BRCA2 protein (p.His1752Asn). This variant is not present in population databases (gnomAD no frequency). This variant has not been reported in the literature in individuals affected with BRCA2-related conditions. Advanced modeling of protein sequence and biophysical properties (such as structural, functional, and spatial information, amino acid conservation, physicochemical variation, residue mobility, and thermodynamic stability) performed at Invitae indicates that this missense variant is not expected to disrupt BRCA2 protein function. In summary, the available evidence is currently insufficient to determine the role of this variant in disease. Therefore, it has been classified as a Variant of Uncertain Significance.